The following is an entry in ClinVar:

NC_000006.11:g.(?_129777460)_(129837492_?)del

Gene: LAMA2 (laminin subunit alpha 2; plus strand). Cytogenetic location: 6q22.33.
Variant type: Deletion.
Identifiers: ClinVar variation 3246060 (VCV003246060.1).

ClinVar aggregate classification (germline): Pathogenic (1 of 4 stars; one submission).

Conditions:
LAMA2-related muscular dystrophy (LAMA2-RD). Also called: Laminin alpha 2-related dystrophy. Identifiers: MedGen C5679788, MONDO:0100228.

Submission:

Labcorp Genetics (formerly Invitae), Labcorp
Classification: Pathogenic for LAMA2-related muscular dystrophy. Last evaluated: 2023-07-26. Review status: criteria provided, single submitter. Criteria: Invitae Variant Classification Sherloc (09022015). Collection method: clinical testing. Allele origin: unknown.
Comment: For these reasons, this variant has been classified as Pathogenic. This variant disrupts a region of the LAMA2 protein in which other variant(s) (p.Thr3080Asnfs*26) have been determined to be pathogenic (PMID: 20207543). This suggests that this is a clinically significant region of the protein, and that variants that disrupt it are likely to be disease-causing. This variant has not been reported in the literature in individuals affected with LAMA2-related conditions. This variant is a gross deletion of the genomic region encompassing exon(s) 48-65 of the LAMA2 gene, which includes the termination codon. This deletion extends beyond the assayed region for this gene and therefore may encompass additional genes. While this deletion is not anticipated to lead to nonsense mediated decay, it is expected to alter mRNA translation or result in a truncated protein product.

Literature cited by the submitters: PubMed 20207543.